The following is an entry in ClinVar:

NM_032638.5(GATA2):c.663G>T (p.Met221Ile)

Gene: GATA2 (GATA binding protein 2; minus strand). Cytogenetic location: 3q21.3.
Variant type: single nucleotide variant.
Coding change: c.663G>T on transcript NM_032638.5 (MANE Select); coding-DNA position 663, G replaced by T.
Protein change: p.Met221Ile; replaces methionine 221 with isoleucine.
Molecular consequence: missense variant.
Genome position (GRCh38, 1-based): chr3:128,485,935, C>A on the plus strand (G>T on the coding strand, the complement: GATA2 is on the minus strand). VCF-style: chr3-128485935-C-A. GRCh37 (hg19) VCF-style: chr3-128204778-C-A.
Other names: c.663G>T, p.Met221Ile (NM_001145661.2, NM_001145662.1); short protein forms M221I.
Identifiers: ClinVar variation 2945162 (VCV002945162.3), dbSNP rs2107672193, ClinGen allele CA354406302.

ClinVar aggregate classification (germline): Uncertain significance (1 of 4 stars; one submission).

Conditions:
Deafness-lymphedema-leukemia syndrome. Also called: Lymphedema, primary, with myelodysplasia; Emberger syndrome. Identifiers: Orphanet 3226, MedGen C3279664, MONDO:0013540, OMIM 614038.
Monocytopenia with susceptibility to infections. Also called: MONOCYTOPENIA AND MYCOBACTERIAL INFECTION SYNDROME; MONOCYTOPENIA WITH SUSCEPTIBILITY TO MYCOBACTERIAL, FUNGAL, AND PAPILLOMAVIRUS INFECTIONS AND MYELODYSPLASIA; COMBINED IMMUNODEFICIENCY WITH SUSCEPTIBILITY TO MYCOBACTERIAL, VIRAL, AND FUNGAL INFECTIONS; Dendritic cell, monocyte, B lymphocyte, and natural killer lymphocyte deficiency; IMMUNODEFICIENCY 21; GATA2 DEFICIENCY. Identifiers: Orphanet 228423, MedGen C3280030, MONDO:0013607, OMIM 614172.

Submission:

Labcorp Genetics (formerly Invitae), Labcorp
Classification: Uncertain significance for Monocytopenia with susceptibility to infections; Deafness-lymphedema-leukemia syndrome. Last evaluated: 2023-03-09. Review status: criteria provided, single submitter. Criteria: Invitae Variant Classification Sherloc (09022015). Collection method: clinical testing. Allele origin: germline.
Comment: In summary, the available evidence is currently insufficient to determine the role of this variant in disease. Therefore, it has been classified as a Variant of Uncertain Significance. Advanced modeling of protein sequence and biophysical properties (such as structural, functional, and spatial information, amino acid conservation, physicochemical variation, residue mobility, and thermodynamic stability) has been performed at Invitae for this missense variant, however the output from this modeling did not meet the statistical confidence thresholds required to predict the impact of this variant on GATA2 protein function. This variant has not been reported in the literature in individuals affected with GATA2-related conditions. This variant is not present in population databases (gnomAD no frequency). This sequence change replaces methionine, which is neutral and non-polar, with isoleucine, which is neutral and non-polar, at codon 221 of the GATA2 protein (p.Met221Ile).